The following is an entry in ClinVar:

ClinVar aggregate classification (germline): Uncertain significance (1 of 4 stars; one submission).

Conditions:
Kleefstra syndrome 1 (KLEFS1). Identifiers: Orphanet 261494, MedGen C0795833, MONDO:0027407, OMIM 610253.

Submission:

Labcorp Genetics (formerly Invitae), Labcorp
Classification: Uncertain significance for Kleefstra syndrome 1. Last evaluated: 2024-05-14. Review status: criteria provided, single submitter. Criteria: Invitae Variant Classification Sherloc (09022015). Collection method: clinical testing. Allele origin: germline.
Comment: This sequence change falls in intron 23 of the EHMT1 gene. It does not directly change the encoded amino acid sequence of the EHMT1 protein. It affects a nucleotide within the consensus splice site. This variant is not present in population databases (gnomAD no frequency). This variant has not been reported in the literature in individuals affected with EHMT1-related conditions. Variants that disrupt the consensus splice site are a relatively common cause of aberrant splicing (PMID: 17576681, 9536098). Algorithms developed to predict the effect of sequence changes on RNA splicing suggest that this variant is not likely to affect RNA splicing. In summary, the available evidence is currently insufficient to determine the role of this variant in disease. Therefore, it has been classified as a Variant of Uncertain Significance.

Literature cited by the submitters: PubMed 17576681; PubMed 9536098.

NM_024757.5(EHMT1):c.3374+6A>G

Gene: EHMT1 (euchromatic histone lysine methyltransferase 1; plus strand). Cytogenetic location: 9q34.3.
Variant type: single nucleotide variant.
Coding change: c.3374+6A>G on transcript NM_024757.5 (MANE Select); 6 bases into the intron after coding-DNA position 3374, A replaced by G.
Molecular consequence: intron variant.
Genome position (GRCh38, 1-based): chr9:137,816,068, A>G. VCF-style: chr9-137816068-A-G. GRCh37 (hg19) VCF-style: chr9-140710520-A-G.
Other names: c.3353+6A>G (NM_001354263.2).
Identifiers: ClinVar variation 3641802 (VCV003641802.2).